The following is an entry in ClinVar:

ClinVar aggregate classification (germline): Likely pathogenic (1 of 4 stars; one submission).

Conditions:
Lymphatic malformation (LM). Identifiers: MedGen C0398368, MONDO:0019313. Disease mechanism: gain of function.

Submission:

MAGI'S LAB - Medical Genetics Laboratory, MAGI GROUP
Classification: Likely pathogenic for Hereditary lymphedema. Last evaluated: 2018-10-25. Review status: criteria provided, single submitter. Criteria: ACMG Guidelines, 2015. Collection method: clinical testing. Allele origin: maternal. Inheritance: Autosomal dominant inheritance. Affected: yes. Observed: 1 heterozygote.
Comment: The frameshift variant falls in the cadherin domain of the protein causing very early termination of the protein. It can be considered a private variant since it is not listed in any of the public database questioned. In summary, the p.(Asn681Metfs*16) variant meets the criteria of the American College of Medical Genetics and Genomics guidelines (Richards et al., 2015) to be classified as likely pathogenic based upon type of variation and absence from controls.

NM_001378328.1(CELSR1):c.2042del (p.Asn681fs)

Gene: CELSR1 (cadherin EGF LAG seven-pass G-type receptor 1; minus strand). Cytogenetic location: 22q13.31.
Variant type: Deletion.
Coding change: c.2042del on transcript NM_001378328.1 (MANE Select); coding-DNA position 2042, one base deleted (A; older notation c.2042delA).
Protein change: p.Asn681fs; shifts the reading frame from asparagine 681.
Molecular consequence: frameshift variant.
Genome position (GRCh38, 1-based): chr22:46,535,129, T deleted on the plus strand (A on the coding strand, the reverse complement: CELSR1 is on the minus strand); the first of 2 consecutive T bases (chr22:46,535,129-46,535,130); deleting either gives the same sequence. VCF-style (leftmost placement, unchanged base first): chr22-46535128-AT-A. GRCh37 (hg19) VCF-style: chr22-46931025-AT-A.
Other names: c.2042del, p.Asn681fs (NM_014246.4); short protein forms N681fs.
Identifiers: ClinVar variation 598924 (VCV000598924.4), dbSNP rs1569226110, ClinGen allele CA913191036.